The following is an entry in ClinVar:

ClinVar aggregate classification (germline): Likely benign. Review status: criteria provided, multiple submitters, no conflicts (2 of 4 stars). 2 submissions from 2 submitters: Likely benign (2). Last evaluated 2026-09-01.

Submissions (2):

CeGaT Center for Human Genetics Tuebingen
Classification: Likely benign. Last evaluated: 2026-09-01. Review status: criteria provided, single submitter. Criteria: CeGaT Center For Human Genetics Tuebingen Variant Classification Criteria Version 2. Collection method: clinical testing. Allele origin: germline. Affected: yes. Observed: 5 variant alleles.
Comment: CACNB2: BS2

Blueprint Genetics
Classification: Likely benign. Last evaluated: 2024-11-06. Review status: criteria provided, single submitter. Criteria: ACMG Guidelines, 2015. Collection method: clinical testing. Allele origin: germline.

NM_201596.3(CACNB2):c.121-3_121-2insTTTTTTGT

Gene: CACNB2 (calcium voltage-gated channel auxiliary subunit beta 2; plus strand). Cytogenetic location: 10p12.33.
Variant type: Microsatellite.
Coding change: c.121-3_121-2insTTTTTTGT on transcript NM_201596.3 (MANE Select); 3 bases into the intron before coding-DNA position 121 through the canonical splice acceptor site of the intron before coding-DNA position 121, TTTTTTGT inserted.
Molecular consequence: intron variant.
Genome position: GRCh38 VCF-style: chr10-18150879-T-TTTTTTTTG. GRCh37 (hg19) VCF-style: chr10-18439808-T-TTTTTTTTG.
Other names: c.37-3_37-2insTTTTTTGT (NM_201571.4, NM_001167945.2, NM_201572.4); c.121-3_121-2insTTTTTTGT (NM_201593.3, NM_201597.3).
Identifiers: ClinVar variation 2570767 (VCV002570767.28), dbSNP rs769211879.
Genomic context (GRCh38, chr10:18,150,879, plus strand): 5'-ATTCCTGTTAAAGGGTCTCATAATAATCTTATTTGTCTTTTTTTTTTTTTTTTTTTTTTT[T>TTTTTTTTG]TAGTCATATGGAAAAGGAGCCAGAAGGAAAAACAGATTTAAAGGATCTGATGGAAGCACG-3'